The following is an entry in ClinVar:

NC_000013.10:g.(?_27827914)_(29252239_?)dup

Genes: CDX2 (caudal type homeobox 2; minus strand), FLT1 (fms related receptor tyrosine kinase 1; minus strand), FLT3 (fms related receptor tyrosine kinase 3; minus strand), GSX1 (GS homeobox 1; plus strand), GTF3A (general transcription factor IIIA; plus strand) and 10 more. Cytogenetic location: 13q12.2-12.3.
Variant type: Duplication.
Identifiers: ClinVar variation 3244219 (VCV003244219.1).

ClinVar aggregate classification (germline): Uncertain significance (1 of 4 stars; one submission).

Submission:

Labcorp Genetics (formerly Invitae), Labcorp
Classification: Uncertain significance. Last evaluated: 2023-05-05. Review status: criteria provided, single submitter. Criteria: Invitae Variant Classification Sherloc (09022015). Collection method: clinical testing. Allele origin: unknown.
Comment: In summary, the available evidence is currently insufficient to determine the role of this variant in disease. Therefore, it has been classified as a Variant of Uncertain Significance. This variant has not been reported in the literature in individuals affected with POMP-related conditions. A copy number gain of the genomic region encompassing the full coding sequence of the POMP gene has been identified. The boundaries of this event are unknown as they extend beyond the assayed region for this gene and therefore may encompass additional genes. As the precise location of this event is unknown, it may be in tandem or it may be located elsewhere in the genome.